The following is an entry in ClinVar:

NM_001034116.2(EIF2B4):c.74G>T (p.Gly25Val)

Gene: EIF2B4 (eukaryotic translation initiation factor 2B subunit delta; minus strand). Cytogenetic location: 2p23.3.
Variant type: single nucleotide variant.
Coding change: c.74G>T on transcript NM_001034116.2 (MANE Select); coding-DNA position 74, G replaced by T.
Protein change: p.Gly25Val; replaces glycine 25 with valine.
Molecular consequence: missense variant. On other transcripts: 5 prime UTR variant (3).
Genome position (GRCh38, 1-based): chr2:27,369,877, C>A on the plus strand (G>T on the coding strand, the complement: EIF2B4 is on the minus strand). VCF-style: chr2-27369877-C-A. GRCh37 (hg19) VCF-style: chr2-27592744-C-A.
Other names: p.Gly25Val; c.74G>T (NM_015636.3); c.137G>T, p.Gly46Val (NM_001318965.2, NM_172195.4); c.29G>T, p.Gly10Val (NM_001318966.2); c.-13G>T (NM_001318967.2); c.-442G>T (NM_001318968.2); c.-519G>T (NM_001318969.2); c.74G>T, p.Gly25Val (NM_015636.4); short protein forms G46V, G10V, G25V.
Identifiers: ClinVar variation 1397555 (VCV001397555.6), dbSNP rs137963149, ClinGen allele CA1577032.

ClinVar aggregate classification (germline): Uncertain significance. Review status: criteria provided, multiple submitters, no conflicts (2 of 4 stars). 3 submissions from 3 submitters: Uncertain significance (3). Last evaluated 2025-08-02.

Conditions:
Inborn genetic diseases. Identifiers: MedGen C0950123, MeSH D030342.

Allele frequency attached by ClinVar (database versions not stated): gnomAD 0.00013 and 0.00017; TOPMed 0.00012; ExAC 0.00015; 1000 Genomes Project 0.00160; gnomAD exomes 0.00003; 1000 Genomes Project 30x 0.00125.
gnomAD v4.1: 69 of 1,580,438 alleles (0.0044%); highest among the groups gnomAD compares: African/African-American, 0.077%; 1 homozygote.

Submissions (3):

Ambry Genetics
Classification: Uncertain significance for Inborn genetic diseases. Last evaluated: 2025-08-02. Review status: criteria provided, single submitter. Criteria: Ambry Variant Classification Scheme 2023. Collection method: clinical testing. Allele origin: germline.

Mayo Clinic Laboratories, Mayo Clinic
Classification: Uncertain significance. Last evaluated: 2025-07-11. Review status: criteria provided, single submitter. Criteria: ACMG Guidelines, 2015. Collection method: clinical testing. Allele origin: germline. Observed: 1 variant allele.

Labcorp Genetics (formerly Invitae), Labcorp
Classification: Uncertain significance. Last evaluated: 2022-08-31. Review status: criteria provided, single submitter. Criteria: Invitae Variant Classification Sherloc (09022015). Collection method: clinical testing. Allele origin: germline.
Comment: This sequence change replaces glycine, which is neutral and non-polar, with valine, which is neutral and non-polar, at codon 25 of the EIF2B4 protein (p.Gly25Val). The frequency data for this variant in the population databases is considered unreliable, as metrics indicate poor data quality at this position in the gnomAD database. This variant has not been reported in the literature in individuals affected with EIF2B4-related conditions. ClinVar contains an entry for this variant (Variation ID: 1397555). Algorithms developed to predict the effect of missense changes on protein structure and function are either unavailable or do not agree on the potential impact of this missense change (SIFT: "Tolerated"; PolyPhen-2: "Possibly Damaging"; Align-GVGD: "Class C0"). In summary, the available evidence is currently insufficient to determine the role of this variant in disease. Therefore, it has been classified as a Variant of Uncertain Significance.